The following is an entry in ClinVar:

NM_052865.4(MGME1):c.692T>C (p.Leu231Ser)

Gene: MGME1 (mitochondrial genome maintenance exonuclease 1; plus strand). Cytogenetic location: 20p11.23.
Variant type: single nucleotide variant.
Coding change: c.692T>C on transcript NM_052865.4 (MANE Select); coding-DNA position 692, T replaced by C.
Protein change: p.Leu231Ser; replaces leucine 231 with serine.
Molecular consequence: missense variant. On other transcripts: intron variant (1).
Genome position (GRCh38, 1-based): chr20:17,975,864, T>C. VCF-style: chr20-17975864-T-C. GRCh37 (hg19) VCF-style: chr20-17956507-T-C.
Other names: c.737T>C, p.Leu246Ser (NM_001310338.2); c.452T>C, p.Leu151Ser (NM_001363738.2); c.511+5494T>C (NM_001310339.2); c.692T>C (NM_052865.2); short protein forms L151S, L246S, L231S.
Identifiers: ClinVar variation 1910770 (VCV001910770.6), dbSNP rs758792889, ClinGen allele CA9774997.

ClinVar aggregate classification (germline): Uncertain significance. Review status: criteria provided, multiple submitters, no conflicts (2 of 4 stars). 2 submissions from 2 submitters: Uncertain significance (2). Last evaluated 2023-05-31.

Conditions:
Inborn genetic diseases. Identifiers: MedGen C0950123, MeSH D030342.

Allele frequency attached by ClinVar (database versions not stated): gnomAD 0.00001; TOPMed 0.00002; gnomAD exomes 0.00003; ExAC 0.00004.
gnomAD v4.1: 17 of 1,613,964 alleles (0.0011%); highest among the groups gnomAD compares: Admixed American, 0.0017%; no homozygotes.

Submissions (2):

Ambry Genetics
Classification: Uncertain significance for Inborn genetic diseases. Last evaluated: 2023-05-31. Review status: criteria provided, single submitter. Criteria: Ambry Variant Classification Scheme 2023. Collection method: clinical testing. Allele origin: germline.

Labcorp Genetics (formerly Invitae), Labcorp
Classification: Uncertain significance. Last evaluated: 2021-12-17. Review status: criteria provided, single submitter. Criteria: Invitae Variant Classification Sherloc (09022015). Collection method: clinical testing. Allele origin: germline.
Comment: This variant is present in population databases (rs758792889, gnomAD 0.005%). In summary, the available evidence is currently insufficient to determine the role of this variant in disease. Therefore, it has been classified as a Variant of Uncertain Significance. Algorithms developed to predict the effect of missense changes on protein structure and function are either unavailable or do not agree on the potential impact of this missense change (SIFT: "Deleterious"; PolyPhen-2: "Probably Damaging"; Align-GVGD: "Class C15"). This variant has not been reported in the literature in individuals affected with MGME1-related conditions. This sequence change replaces leucine, which is neutral and non-polar, with serine, which is neutral and polar, at codon 231 of the MGME1 protein (p.Leu231Ser).